The following is an entry in ClinVar:

ClinVar aggregate classification (germline): Benign (1 of 4 stars; one submission).

Conditions:
Pseudohypoaldosteronism type 2E (PHA2E). Also called: Pseudohypoaldosteronism Type IIE. Identifiers: Orphanet 300530, Orphanet 757, MedGen C3469606, MONDO:0013782, OMIM 614496.

Allele frequency attached by ClinVar (database versions not stated): gnomAD exomes 0.00088; gnomAD 0.00460 and 0.00490; TOPMed 0.00490; 1000 Genomes Project 0.00619; 1000 Genomes Project 30x 0.00625.
gnomAD v4.1: 745 of 203,334 alleles (0.37%); highest among the groups gnomAD compares: African/African-American, 1.6%; no homozygotes.

Submission:

Illumina Laboratory Services, Illumina
Classification: Benign for Pseudohypoaldosteronism type 2E. Last evaluated: 2018-01-12. Review status: criteria provided, single submitter. Criteria: ICSL Variant Classification Criteria 13 December 2019. Collection method: clinical testing. Allele origin: germline.
Comment: This variant was observed in the ICSL laboratory as part of a predisposition screen in an ostensibly healthy population. It had not been previously curated by ICSL or reported in the Human Gene Mutation Database (HGMD: prior to June 1st, 2018), and was therefore a candidate for classification through an automated scoring system. Utilizing variant allele frequency, disease prevalence and penetrance estimates, and inheritance mode, an automated score was calculated to assess if this variant is too frequent to cause the disease. Based on the score and internal cut-off values, a variant classified as benign is not then subjected to further curation. The score for this variant resulted in a classification of benign for this disease.

NM_003590.5(CUL3):c.*2923A>C

Gene: CUL3 (cullin 3; minus strand). Cytogenetic location: 2q36.2.
Variant type: single nucleotide variant.
Coding change: c.*2923A>C on transcript NM_003590.5 (MANE Select); 2923 bases downstream of the stop codon, A replaced by C.
Molecular consequence: 3 prime UTR variant.
Genome position (GRCh38, 1-based): chr2:224,471,322, T>G on the plus strand (A>C on the coding strand, the complement: CUL3 is on the minus strand). VCF-style: chr2-224471322-T-G. GRCh37 (hg19) VCF-style: chr2-225336039-T-G.
Other names: c.*2923A>C (NM_001257197.2, NM_001257198.2).
Identifiers: ClinVar variation 334587 (VCV000334587.6), dbSNP rs73077720, ClinGen allele CA10612916.